The following is an entry in ClinVar:

NM_002303.6(LEPR):c.2674C>A (p.Pro892Thr)

Gene: LEPR (leptin receptor; plus strand). Cytogenetic location: 1p31.3.
Variant type: single nucleotide variant.
Coding change: c.2674C>A on transcript NM_002303.6 (MANE Select); coding-DNA position 2674, C replaced by A.
Protein change: p.Pro892Thr; replaces proline 892 with threonine.
Molecular consequence: missense variant.
Genome position (GRCh38, 1-based): chr1:65,636,191, C>A. VCF-style: chr1-65636191-C-A. GRCh37 (hg19) VCF-style: chr1-66101874-C-A.
Other names: short protein forms P892T.
Identifiers: ClinVar variation 4983309 (VCV004983309.1).

ClinVar aggregate classification (germline): Uncertain significance (1 of 4 stars; one submission).

Conditions:
LEPR-related disorder. Also called: LEPR-related condition; LEPR-related disorders.

gnomAD v4.1: 3 of 1,613,640 alleles (0.00019%); highest among the groups gnomAD compares: Admixed American, 0.0033%; no homozygotes.

Submission:

PreventionGenetics, part of Exact Sciences
Classification: Uncertain significance for LEPR-related condition. Last evaluated: 2025-09-24. Review status: criteria provided, single submitter. Criteria: ACMG Guidelines, 2015. Collection method: clinical testing. Allele origin: germline.
Comment: The LEPR c.2674C>A variant is predicted to result in the amino acid substitution p.Pro892Thr. This variant was observed in a cohort of individuals with obesity, and in vitro functional studies showed suggestive evidence of loss of function (Supplemental Data Set, Shah et al. 2023. PubMed ID: 36864747). This variant is reported in 0.0058% of alleles in individuals of Latino descent in gnomAD. At this time, the clinical significance of this variant is uncertain due to the absence of conclusive functional and genetic evidence.